The following is an entry in ClinVar:

ClinVar aggregate classification (germline): Uncertain significance. Review status: criteria provided, multiple submitters, no conflicts (2 of 4 stars). 3 submissions from 3 submitters: Uncertain significance (3). Last evaluated 2024-07-19.

Conditions:
Arrhythmogenic cardiomyopathy with wooly hair and keratoderma. Also called: PALMOPLANTAR KERATODERMA WITH LEFT VENTRICULAR CARDIOMYOPATHY AND WOOLLY HAIR; Arrhythmogenic cardiomyopathy with woolly hair and keratoderma; Carvajal syndrome; Dilated cardiomyopathy with woolly hair and keratoderma. Identifiers: Orphanet 65282, MedGen C1854063, MONDO:0011581, OMIM 605676.
Arrhythmogenic right ventricular dysplasia 8 (ARVD8). Also called: Arrhythmogenic Right Ventricular Dysplasia/Cardiomyopathy 8; ARRHYTHMOGENIC RIGHT VENTRICULAR DYSPLASIA, FAMILIAL, 8; ARRHYTHMOGENIC RIGHT VENTRICULAR CARDIOMYOPATHY 8. Identifiers: MedGen C1843896, MONDO:0011831, OMIM 607450.

Allele frequency attached by ClinVar (database versions not stated): gnomAD exomes below 0.00001; ExAC 0.00001.
gnomAD v4.1: 3 of 1,609,314 alleles (0.00019%); highest among the groups gnomAD compares: Non-Finnish European, 0.00017%; no homozygotes.

Submissions (3):

Blueprint Genetics
Classification: Uncertain significance. Last evaluated: 2024-07-19. Review status: criteria provided, single submitter. Criteria: ACMG Guidelines, 2015. Collection method: clinical testing. Allele origin: germline.

Labcorp Genetics (formerly Invitae), Labcorp
Classification: Uncertain significance for Arrhythmogenic cardiomyopathy with wooly hair and keratoderma; Arrhythmogenic right ventricular dysplasia 8. Last evaluated: 2024-05-06. Review status: criteria provided, single submitter. Criteria: Invitae Variant Classification Sherloc (09022015). Collection method: clinical testing. Allele origin: germline.
Comment: This sequence change replaces glycine, which is neutral and non-polar, with arginine, which is basic and polar, at codon 2836 of the DSP protein (p.Gly2836Arg). This variant is present in population databases (rs761034160, gnomAD 0.0009%). This variant has not been reported in the literature in individuals affected with DSP-related conditions. ClinVar contains an entry for this variant (Variation ID: 1982109). An algorithm developed to predict the effect of missense changes on protein structure and function (PolyPhen-2) suggests that this variant is likely to be disruptive. In summary, the available evidence is currently insufficient to determine the role of this variant in disease. Therefore, it has been classified as a Variant of Uncertain Significance.

All of Us Research Program, National Institutes of Health
Classification: Uncertain significance for Arrhythmogenic cardiomyopathy with wooly hair and keratoderma. Last evaluated: 2023-12-18. Review status: criteria provided, single submitter. Criteria: ACMG Guidelines, 2015. Collection method: clinical testing. Allele origin: germline. Inheritance: Autosomal dominant inheritance. Observed: 1 variant allele, 1 heterozygote.
Comment: This missense variant replaces glycine with arginine at codon 2836 of the DSP protein. Computational prediction is inconclusive regarding the impact of this variant on protein structure and function (internally defined REVEL score threshold 0.5 < inconclusive < 0.7, PMID: 27666373). To our knowledge, functional studies have not been reported for this variant. This variant has not been reported in individuals affected with DSP-related disorders in the literature. This variant has been identified in 1/246184 chromosomes in the general population by the Genome Aggregation Database (gnomAD). The available evidence is insufficient to determine the role of this variant in disease conclusively. Therefore, this variant is classified as a Variant of Uncertain Significance.

This study involves interpretation of variants in research participants for the purpose of population health screening. Participant phenotype was not available at the time of variant classification. Additional details can be found in publication PMID: 35346344, PMCID: PMC8962531

NM_004415.4(DSP):c.8506G>A (p.Gly2836Arg)

Gene: DSP (desmoplakin; plus strand). Cytogenetic location: 6p24.3.
Variant type: single nucleotide variant.
Coding change: c.8506G>A on transcript NM_004415.4 (MANE Select); coding-DNA position 8506, G replaced by A.
Protein change: p.Gly2836Arg; replaces glycine 2836 with arginine.
Molecular consequence: missense variant.
Genome position (GRCh38, 1-based): chr6:7,585,768, G>A. VCF-style: chr6-7585768-G-A. GRCh37 (hg19) VCF-style: chr6-7586001-G-A.
Other names: c.6709G>A, p.Gly2237Arg (NM_001008844.3); c.7177G>A, p.Gly2393Arg (NM_001319034.2); short protein forms G2237R, G2393R, G2836R.
Identifiers: ClinVar variation 1982109 (VCV001982109.6), dbSNP rs761034160, ClinGen allele CA052612.